The following is an entry in ClinVar:

NM_017415.3(KLHL3):c.430C>A (p.Gln144Lys)

Gene: KLHL3 (kelch like family member 3; minus strand). Cytogenetic location: 5q31.2.
Variant type: single nucleotide variant.
Coding change: c.430C>A on transcript NM_017415.3 (MANE Select); coding-DNA position 430, C replaced by A.
Protein change: p.Gln144Lys; replaces glutamine 144 with lysine.
Molecular consequence: missense variant.
Genome position (GRCh38, 1-based): chr5:137,692,381, G>T on the plus strand (C>A on the coding strand, the complement: KLHL3 is on the minus strand). VCF-style: chr5-137692381-G-T. GRCh37 (hg19) VCF-style: chr5-137028070-G-T.
Other names: c.334C>A, p.Gln112Lys (NM_001257194.1); c.184C>A, p.Gln62Lys (NM_001257195.2); short protein forms Q112K, Q144K, Q62K.
Identifiers: ClinVar variation 2799979 (VCV002799979.3), dbSNP rs199469637, ClinGen allele CA361051940.

ClinVar aggregate classification (germline): Uncertain significance (1 of 4 stars; one submission).

Allele frequency attached by ClinVar (database versions not stated): TOPMed below 0.00001.

Submission:

Labcorp Genetics (formerly Invitae), Labcorp
Classification: Uncertain significance. Last evaluated: 2024-01-26. Review status: criteria provided, single submitter. Criteria: Invitae Variant Classification Sherloc (09022015). Collection method: clinical testing. Allele origin: germline.
Comment: This sequence change replaces glutamine, which is neutral and polar, with lysine, which is basic and polar, at codon 144 of the KLHL3 protein (p.Gln144Lys). This variant is present in population databases (no rsID available, gnomAD 0.006%). This variant has not been reported in the literature in individuals affected with KLHL3-related conditions. Advanced modeling of protein sequence and biophysical properties (such as structural, functional, and spatial information, amino acid conservation, physicochemical variation, residue mobility, and thermodynamic stability) performed at Invitae indicates that this missense variant is not expected to disrupt KLHL3 protein function with a negative predictive value of 80%. In summary, the available evidence is currently insufficient to determine the role of this variant in disease. Therefore, it has been classified as a Variant of Uncertain Significance.